The following is an entry in ClinVar:

NM_000466.3(PEX1):c.1751_1754delinsCCTAAG (p.Met584_Ser585delinsThrTer)

Gene: PEX1 (peroxisomal biogenesis factor 1; minus strand). Cytogenetic location: 7q21.2.
Variant type: Indel.
Coding change: c.1751_1754delinsCCTAAG on transcript NM_000466.3 (MANE Select); coding-DNA positions 1751 to 1754, TGTC replaced by CCTAAG.
Protein change: p.Met584_Ser585delinsThrTer.
Molecular consequence: nonsense.
Genome position (GRCh38, 1-based): chr7:92,507,043-92,507,046, GACA replaced by CTTAGG on the plus strand (TGTC replaced by CCTAAG on the coding strand, the reverse complement: PEX1 is on the minus strand). VCF-style: chr7-92507043-GACA-CTTAGG. GRCh37 (hg19) VCF-style: chr7-92136357-GACA-CTTAGG.
Other names: c.1751_1754delinsCCTAAG, p.Met584_Ser585delinsThrTer (NM_001282677.2); c.1127_1130delinsCCTAAG, p.Met376_Ser377delinsThrTer (NM_001282678.2).
Identifiers: ClinVar variation 4818383 (VCV004818383.1).

ClinVar aggregate classification (germline): Likely pathogenic (1 of 4 stars; one submission).

Conditions:
Zellweger spectrum disorders (ZS). Also called: Zellweger Spectrum Disorder (ZSD); Zellweger syndrome; Zellweger Spectrum Disorder; Zellweger Spectrum. Identifiers: Orphanet 912, MedGen C0043459, MONDO:0019609.

Submission:

Natera, Inc.
Classification: Likely pathogenic for Zellweger syndrome. Last evaluated: 2025-12-22. Review status: criteria provided, single submitter. Criteria: Natera Variant Classification Schema (03/2026). Collection method: clinical testing. Allele origin: germline.
Comment: The c.1751_1754delinsCCTAAG variant in PEX1 is a frameshift variant predicted to shift the reading frame beginning at codon 584 and leads to a stop codon 2 codons downstream. This variant is expected to result in nonsense mediated decay, truncation, or a dysfunctional protein product. This variant is rare in the general population with a frequency below the threshold expected for the associated phenotype(s). Given the available evidence, this variant is classified as Likely Pathogenic.